The following is an entry in ClinVar:

NM_001734.5(C1S):c.188A>T (p.Glu63Val)

Gene: C1S (complement C1s; plus strand). Cytogenetic location: 12p13.31.
Variant type: single nucleotide variant.
Coding change: c.188A>T on transcript NM_001734.5 (MANE Select); coding-DNA position 188, A replaced by T.
Protein change: p.Glu63Val; replaces glutamic acid 63 with valine.
Molecular consequence: missense variant. On other transcripts: intron variant (1).
Genome position (GRCh38, 1-based): chr12:7,062,657, A>T. VCF-style: chr12-7062657-A-T. GRCh37 (hg19) VCF-style: chr12-7169961-A-T.
Other names: c.188A>T, p.Glu63Val (NM_201442.4); c.-288-233A>T (NM_001346850.2); short protein forms E63V.
Identifiers: ClinVar variation 3640777 (VCV003640777.2).

ClinVar aggregate classification (germline): Uncertain significance (1 of 4 stars; one submission).

gnomAD v4.1: 3 of 1,614,132 alleles (0.00019%); highest among the groups gnomAD compares: Non-Finnish European, 0.00025%; no homozygotes.

Submission:

Labcorp Genetics (formerly Invitae), Labcorp
Classification: Uncertain significance. Last evaluated: 2024-04-15. Review status: criteria provided, single submitter. Criteria: Invitae Variant Classification Sherloc (09022015). Collection method: clinical testing. Allele origin: germline.
Comment: This sequence change replaces glutamic acid, which is acidic and polar, with valine, which is neutral and non-polar, at codon 63 of the C1S protein (p.Glu63Val). This variant is present in population databases (rs782538575, gnomAD 0.0009%). This variant has not been reported in the literature in individuals affected with C1S-related conditions. Advanced modeling of protein sequence and biophysical properties (such as structural, functional, and spatial information, amino acid conservation, physicochemical variation, residue mobility, and thermodynamic stability) performed at Invitae indicates that this missense variant is not expected to disrupt C1S protein function with a negative predictive value of 80%. In summary, the available evidence is currently insufficient to determine the role of this variant in disease. Therefore, it has been classified as a Variant of Uncertain Significance.